The following is an entry in ClinVar:

ClinVar aggregate classification (germline): Likely benign. Review status: criteria provided, multiple submitters, no conflicts (2 of 4 stars). 2 submissions from 2 submitters: Likely benign (2). Last evaluated 2023-02-11.

Allele frequency attached by ClinVar (database versions not stated): gnomAD exomes below 0.00001; gnomAD 0.00001; TOPMed 0.00001.
gnomAD v4.1: 3 of 1,614,022 alleles (0.00019%); highest among the groups gnomAD compares: Non-Finnish European, 0.00025%; no homozygotes.

Submissions (2):

Labcorp Genetics (formerly Invitae), Labcorp
Classification: Likely benign. Last evaluated: 2023-02-11. Review status: criteria provided, single submitter. Criteria: Invitae Variant Classification Sherloc (09022015). Collection method: clinical testing. Allele origin: germline.

GeneDx
Classification: Likely benign. Last evaluated: 2017-06-13. Review status: criteria provided, single submitter. Criteria: GeneDx Variant Classification (06012015). Collection method: clinical testing. Allele origin: germline. Affected: yes.
Comment: This variant is considered likely benign or benign based on one or more of the following criteria: it is a conservative change, it occurs at a poorly conserved position in the protein, it is predicted to be benign by multiple in silico algorithms, and/or has population frequency not consistent with disease.

NM_080680.3(COL11A2):c.789C>T (p.Pro263=)

Gene: COL11A2 (collagen type XI alpha 2 chain; minus strand). Cytogenetic location: 6p21.32.
Variant type: single nucleotide variant.
Coding change: c.789C>T on transcript NM_080680.3 (MANE Select); coding-DNA position 789, C replaced by T.
Protein change: p.Pro263=; no amino-acid change (proline 263 retained).
Molecular consequence: synonymous variant.
Genome position (GRCh38, 1-based): chr6:33,186,636, G>A on the plus strand (C>T on the coding strand, the complement: COL11A2 is on the minus strand). VCF-style: chr6-33186636-G-A. GRCh37 (hg19) VCF-style: chr6-33154413-G-A.
Other names: c.789C>T, p.Pro263= (NM_001163771.2, NM_080679.3, NM_080681.3).
Identifiers: ClinVar variation 517932 (VCV000517932.4), dbSNP rs1480123800, ClinGen allele CA449844889.